The following is an entry in ClinVar:

NM_000143.4(FH):c.268-1_274delinsTTAAA

Gene: FH (fumarate hydratase; minus strand). Cytogenetic location: 1q43.
Variant type: Indel.
Coding change: c.268-1_274delinsTTAAA on transcript NM_000143.4 (MANE Select); the canonical splice acceptor site of the intron before coding-DNA position 268 through coding-DNA position 274, GACCCCAG replaced by TTAAA.
Molecular consequence: splice acceptor variant.
Genome position (GRCh38, 1-based): chr1:241,513,707-241,513,714, CTGGGGTC replaced by TTTAA on the plus strand (GACCCCAG replaced by TTAAA on the coding strand, the reverse complement: FH is on the minus strand). VCF-style: chr1-241513707-CTGGGGTC-TTTAA. GRCh37 (hg19) VCF-style: chr1-241677007-CTGGGGTC-TTTAA.
Identifiers: ClinVar variation 3379253 (VCV003379253.1).

ClinVar aggregate classification (germline): Likely pathogenic (1 of 4 stars; one submission).

Conditions:
Hereditary leiomyomatosis and renal cell cancer. Also called: MULTIPLE CUTANEOUS AND UTERINE LEIOMYOMATA 1, WITH OR WITHOUT RENAL CELL CARCINOMA; LEIOMYOMA, MULTIPLE CUTANEOUS; Reed syndrome; Multiple cutaneous and uterine leiomyomatosis; Cutaneous leiomyomata with uterine leiomyomata; Leiomyoma, hereditary multiple, of skin. Identifiers: Orphanet 523, MedGen C1708350, MONDO:0007888, OMIM 150800, HP:0007437. Disease mechanism: loss of function.

Submission:

Myriad Genetics, Inc.
Classification: Likely pathogenic for Hereditary leiomyomatosis and renal cell cancer. Last evaluated: 2024-07-23. Review status: criteria provided, single submitter. Criteria: Myriad Autosomal Dominant, Autosomal Recessive and X-Linked Classification Criteria (2023). Collection method: clinical testing. Allele origin: unknown.
Comment: This variant is considered likely pathogenic. This variant occurs within a consensus splice junction and is predicted to result in abnormal mRNA splicing of either an out-of-frame exon or an in-frame exon necessary for protein stability and/or normal function.